The following is an entry in ClinVar:

ClinVar aggregate classification (germline): Conflicting classifications of pathogenicity. Review status: criteria provided, conflicting classifications (1 of 4 stars). 2 submissions from 2 submitters: Uncertain significance (1); Likely benign (1). Last evaluated 2026-05-01.

Submissions (2):

CeGaT Center for Human Genetics Tuebingen
Classification: Uncertain significance. Last evaluated: 2026-05-01. Review status: criteria provided, single submitter. Criteria: CeGaT Center For Human Genetics Tuebingen Variant Classification Criteria Version 2. Collection method: clinical testing. Allele origin: germline. Affected: yes. Observed: 1 variant allele.
Comment: SETBP1: PM2, BP4

Labcorp Genetics (formerly Invitae), Labcorp
Classification: Likely benign. Last evaluated: 2023-05-20. Review status: criteria provided, single submitter. Criteria: Invitae Variant Classification Sherloc (09022015). Collection method: clinical testing. Allele origin: germline.

NM_015559.3(SETBP1):c.487-4G>A

Gene: SETBP1 (SET binding protein 1; plus strand). Cytogenetic location: 18q12.3.
Variant type: single nucleotide variant.
Coding change: c.487-4G>A on transcript NM_015559.3 (MANE Select); 4 bases into the intron before coding-DNA position 487, G replaced by A.
Molecular consequence: intron variant.
Genome position (GRCh38, 1-based): chr18:44,869,226, G>A. VCF-style: chr18-44869226-G-A. GRCh37 (hg19) VCF-style: chr18-42449191-G-A.
Other names: c.487-4G>A (NM_001379141.1, NM_001130110.2, NM_001410862.1 and 1 more transcripts).
Identifiers: ClinVar variation 3023658 (VCV003023658.5), dbSNP rs2511247718, ClinGen allele CA2740091795.